The following is an entry in ClinVar:

NM_144773.4(PROKR2):c.239G>A (p.Arg80His)

Gene: PROKR2 (prokineticin receptor 2; minus strand). Cytogenetic location: 20p12.3.
Variant type: single nucleotide variant.
Coding change: c.239G>A on transcript NM_144773.4 (MANE Select); coding-DNA position 239, G replaced by A.
Protein change: p.Arg80His; replaces arginine 80 with histidine.
Molecular consequence: missense variant.
Genome position (GRCh38, 1-based): chr20:5,314,131, C>T on the plus strand (G>A on the coding strand, the complement: PROKR2 is on the minus strand). VCF-style: chr20-5314131-C-T. GRCh37 (hg19) VCF-style: chr20-5294777-C-T.
Other names: short protein forms R80H.
Identifiers: ClinVar variation 3241986 (VCV003241986.1), dbSNP rs768671137.

ClinVar aggregate classification (germline): Uncertain significance (1 of 4 stars; one submission).

Conditions:
Hypogonadotropic hypogonadism 3 with or without anosmia (HH3). Also called: HYPOGONADOTROPIC HYPOGONADISM 3 WITH ANOSMIA; PROKR2-Related GnRH Deficiency (Kallmann Syndrome 3). Identifiers: Orphanet 478, MedGen C3550478, MONDO:0009482, OMIM 244200.

Allele frequency attached by ClinVar (database versions not stated): ExAC 0.00002; gnomAD 0.00004.
gnomAD v4.1: 24 of 1,614,020 alleles (0.0015%); highest among the groups gnomAD compares: African/African-American, 0.0053%; no homozygotes.

Submission:

Neuberg Centre For Genomic Medicine, NCGM
Classification: Uncertain significance for Hypogonadotropic hypogonadism 3 with or without anosmia. Review status: criteria provided, single submitter. Criteria: ACMG Guidelines, 2015. Collection method: clinical testing. Allele origin: germline. Inheritance: Autosomal dominant inheritance. Affected: yes.
Comment: The observed missense c.239G>A (p.Arg80His) variant in PROKR2 gene has been reported previously in an individual affected with PROKR2-related disorders (Wang et al., 2022). The p.Arg80His variant is reported with allele frequency of 0.003% in gnomAD Exomes. This variant has not been submitted to the ClinVar database. The amino acid change p.Arg80His in PROKR2 is predicted as conserved by GERP++ and PhyloP across 100 vertebrates. The amino acid Arg at position 80 is changed to a His changing protein sequence and it might alter its composition and physico-chemical properties. For these reasons, this variant has been classified as a Variant of Uncertain Significance (VUS).